The following is an entry in ClinVar:

NM_003638.3(ITGA8):c.5C>G (p.Ser2Trp)

Gene: ITGA8 (integrin subunit alpha 8; minus strand). Cytogenetic location: 10p13.
Variant type: single nucleotide variant.
Coding change: c.5C>G on transcript NM_003638.3 (MANE Select); coding-DNA position 5, C replaced by G.
Protein change: p.Ser2Trp; replaces serine 2 with tryptophan.
Molecular consequence: missense variant.
Genome position (GRCh38, 1-based): chr10:15,719,767, G>C on the plus strand (C>G on the coding strand, the complement: ITGA8 is on the minus strand). VCF-style: chr10-15719767-G-C. GRCh37 (hg19) VCF-style: chr10-15761766-G-C.
Other names: c.5C>G, p.Ser2Trp (NM_001291494.2); short protein forms S2W.
Identifiers: ClinVar variation 1364885 (VCV001364885.6), dbSNP rs2131748356, ClinGen allele CA376105136.

ClinVar aggregate classification (germline): Uncertain significance (1 of 4 stars; one submission).

gnomAD v4.1: 2 of 1,349,224 alleles (0.00015%); highest among the groups gnomAD compares: Non-Finnish European, 0.00019%; no homozygotes.

Submission:

Labcorp Genetics (formerly Invitae), Labcorp
Classification: Uncertain significance. Last evaluated: 2021-11-17. Review status: criteria provided, single submitter. Criteria: Invitae Variant Classification Sherloc (09022015). Collection method: clinical testing. Allele origin: germline.
Comment: In summary, the available evidence is currently insufficient to determine the role of this variant in disease. Therefore, it has been classified as a Variant of Uncertain Significance. Algorithms developed to predict the effect of missense changes on protein structure and function output the following: SIFT: "Deleterious"; PolyPhen-2: "Benign"; Align-GVGD: "Class C0". The tryptophan amino acid residue is found in multiple mammalian species, which suggests that this missense change does not adversely affect protein function. This variant has not been reported in the literature in individuals affected with ITGA8-related conditions. This variant is not present in population databases (gnomAD no frequency). This sequence change replaces serine, which is neutral and polar, with tryptophan, which is neutral and slightly polar, at codon 2 of the ITGA8 protein (p.Ser2Trp).